The following is an entry in ClinVar:

NM_000071.3(CBS):c.1223+123_1224-87del

Gene: CBS (cystathionine beta-synthase; minus strand). Cytogenetic location: 21q22.3.
Variant type: Microsatellite.
Coding change: c.1223+123_1224-87del on transcript NM_000071.3 (MANE Select); 123 bases into the intron after coding-DNA position 1223 through 87 bases into the intron before coding-DNA position 1224, 49 bases deleted.
Molecular consequence: intron variant.
Genome position (GRCh38, 1-based): chr21:43,059,055-43,059,103, 49 bases deleted; deleting any 49 consecutive bases within chr21:43,059,055-43,059,155 gives the same sequence; the c. name uses the placement nearest the transcript's 3' end. GRCh37 (hg19), VCF-style position (the base before the change): chr21:44,479,164.
Other names: c.1223+123_1224-87del (NM_001320298.2, NM_001178009.3, NM_001178008.3); c.908+123_909-87del (NM_001321072.1).
Identifiers: ClinVar variation 1320955 (VCV001320955.6), dbSNP rs1416544817, ClinGen allele CA749578227.

ClinVar aggregate classification (germline): Likely benign. Review status: criteria provided, multiple submitters, no conflicts (2 of 4 stars). 2 submissions from 2 submitters: Likely benign (2). Last evaluated 2022-08-24.

Conditions:
HYPERHOMOCYSTEINEMIA, THROMBOTIC, CBS-RELATED. Identifiers: MedGen C3150344, OMIM 236200.

Submissions (2):

Labcorp Genetics (formerly Invitae), Labcorp
Classification: Likely benign for HYPERHOMOCYSTEINEMIA, THROMBOTIC, CBS-RELATED. Last evaluated: 2022-08-24. Review status: criteria provided, single submitter. Criteria: Invitae Variant Classification Sherloc (09022015). Collection method: clinical testing. Allele origin: germline.

GeneDx
Classification: Likely benign. Last evaluated: 2021-05-04. Review status: criteria provided, single submitter. Criteria: GeneDx Variant Classification Process June 2021. Collection method: clinical testing. Allele origin: germline. Affected: yes.
Comment: This variant is associated with the following publications: (PMID: 7564249)